The following is an entry in ClinVar:

ClinVar aggregate classification (germline): Uncertain significance (1 of 4 stars; one submission).

gnomAD v4.1: 1 of 1,610,716 alleles (0.000062%); highest among the groups gnomAD compares: Non-Finnish European, 0.000085%; no homozygotes.

Submission:

Labcorp Genetics (formerly Invitae), Labcorp
Classification: Uncertain significance. Last evaluated: 2024-10-24. Review status: criteria provided, single submitter. Criteria: Invitae Variant Classification Sherloc (09022015). Collection method: clinical testing. Allele origin: germline.
Comment: This sequence change replaces valine, which is neutral and non-polar, with methionine, which is neutral and non-polar, at codon 189 of the IL6ST protein (p.Val189Met). This variant is not present in population databases (gnomAD no frequency). This variant has not been reported in the literature in individuals affected with IL6ST-related conditions. ClinVar contains an entry for this variant (Variation ID: 1967906). An algorithm developed to predict the effect of missense changes on protein structure and function (PolyPhen-2) suggests that this variant is likely to be tolerated. In summary, the available evidence is currently insufficient to determine the role of this variant in disease. Therefore, it has been classified as a Variant of Uncertain Significance.

NM_002184.4(IL6ST):c.565G>A (p.Val189Met)

Gene: IL6ST (interleukin 6 cytokine family signal transducer; minus strand). Cytogenetic location: 5q11.2.
Variant type: single nucleotide variant.
Coding change: c.565G>A on transcript NM_002184.4 (MANE Select); coding-DNA position 565, G replaced by A.
Protein change: p.Val189Met; replaces valine 189 with methionine.
Molecular consequence: missense variant. On other transcripts: 5 prime UTR variant (3), non-coding transcript variant (2).
Genome position (GRCh38, 1-based): chr5:55,964,239, C>T on the plus strand (G>A on the coding strand, the complement: IL6ST is on the minus strand). VCF-style: chr5-55964239-C-T. GRCh37 (hg19) VCF-style: chr5-55260067-C-T.
Other names: c.565G>A, p.Val189Met (NM_001190981.2, NM_001364275.2, NM_175767.3); c.355G>A, p.Val119Met (NM_001364276.2); c.-349G>A (NM_001364277.2, NM_001364279.2); c.-339G>A (NM_001364278.2); short protein forms V119M, V189M.
Identifiers: ClinVar variation 1967906 (VCV001967906.5), dbSNP rs751581504, ClinGen allele CA359767154.